The following is an entry in ClinVar:

NM_001243133.2(NLRP3):c.2525G>T (p.Cys842Phe)

Gene: NLRP3 (NLR family pyrin domain containing 3; plus strand). Cytogenetic location: 1q44.
Variant type: single nucleotide variant.
Coding change: c.2525G>T on transcript NM_001243133.2 (MANE Select); coding-DNA position 2525, G replaced by T.
Protein change: p.Cys842Phe; replaces cysteine 842 with phenylalanine.
Molecular consequence: missense variant. On other transcripts: intron variant (2).
Genome position (GRCh38, 1-based): chr1:247,436,002, G>T. VCF-style: chr1-247436002-G-T. GRCh37 (hg19) VCF-style: chr1-247599304-G-T.
Other names: c.2525G>T, p.Cys842Phe (NM_001079821.3); c.2354G>T, p.Cys785Phe (NM_001127462.3); c.2531G>T, p.Cys844Phe (NM_004895.5); c.2492+1729G>T (NM_001127461.3); c.2321+1729G>T (NM_183395.3); short protein forms C785F, C842F, C844F.
Identifiers: ClinVar variation 1495115 (VCV001495115.8), dbSNP rs2103173520, ClinGen allele CA345562075.
Genomic context (GRCh38, chr1:247,436,002, plus strand): 5'-GACTGACATTCTGCCATCTCTATGGAAGGTTGGTCAGCTGCTGCCTCACATCAGCATGTT[G>T]TCAGGATCTTGCATCAGTATTGAGCACCAGCCATTCCCTGACCAGACTCTATGTGGGGGA-3'
Protein context (NP_001230062.1, residues 832-852): LVSCCLTSAC[Cys842Phe]QDLASVLSTS

ClinVar aggregate classification (germline): Uncertain significance (1 of 4 stars; one submission).

Conditions:
Cryopyrin associated periodic syndrome (CAPS). Identifiers: Orphanet 208650, MedGen C2316212, MONDO:0016168.

Submission:

Labcorp Genetics (formerly Invitae), Labcorp
Classification: Uncertain significance for Cryopyrin associated periodic syndrome. Last evaluated: 2024-12-09. Review status: criteria provided, single submitter. Criteria: Invitae Variant Classification Sherloc (09022015). Collection method: clinical testing. Allele origin: germline.
Comment: This sequence change replaces cysteine, which is neutral and slightly polar, with phenylalanine, which is neutral and non-polar, at codon 844 of the NLRP3 protein (p.Cys844Phe). This variant is not present in population databases (gnomAD no frequency). This variant has not been reported in the literature in individuals affected with NLRP3-related conditions. ClinVar contains an entry for this variant (Variation ID: 1495115). Invitae Evidence Modeling of protein sequence and biophysical properties (such as structural, functional, and spatial information, amino acid conservation, physicochemical variation, residue mobility, and thermodynamic stability) has been performed for this missense variant. However, the output from this modeling did not meet the statistical confidence thresholds required to predict the impact of this variant on NLRP3 protein function. Algorithms developed to predict the effect of sequence changes on RNA splicing suggest that this variant may create or strengthen a splice site. In summary, the available evidence is currently insufficient to determine the role of this variant in disease. Therefore, it has been classified as a Variant of Uncertain Significance.